The following is an entry in ClinVar:

NM_001165963.4(SCN1A):c.4955G>A (p.Gly1652Glu)

Genes: SCN1A (sodium voltage-gated channel alpha subunit 1; minus strand), LOC102724058 (uncharacterized LOC102724058; plus strand). Cytogenetic location: 2q24.3.
Variant type: single nucleotide variant.
Coding change: c.4955G>A on transcript NM_001165963.4 (MANE Select); coding-DNA position 4955, G replaced by A.
Protein change: p.Gly1652Glu; replaces glycine 1652 with glutamic acid.
Molecular consequence: missense variant. On other transcripts: non-coding transcript variant (1).
Genome position (GRCh38, 1-based): chr2:165,992,320, C>T on the plus strand (G>A on the coding strand, the complement: SCN1A is on the minus strand). VCF-style: chr2-165992320-C-T. GRCh37 (hg19) VCF-style: chr2-166848830-C-T.
Other names: c.4871G>A, p.Gly1624Glu (NM_001165964.3, NM_001353957.2, NM_001353958.2); c.4955G>A, p.Gly1652Glu (NM_001202435.3, NM_001353948.2); c.4922G>A, p.Gly1641Glu (NM_001353949.2, NM_001353950.2, NM_001353951.2 and 2 more transcripts); c.4919G>A, p.Gly1640Glu (NM_001353954.2, NM_001353955.2); c.4868G>A, p.Gly1623Glu (NM_001353960.2); c.2513G>A, p.Gly838Glu (NM_001353961.2); short protein forms G1623E, G1641E, G1652E, G1624E, G1640E, G838E.
Identifiers: ClinVar variation 649545 (VCV000649545.9), dbSNP rs1573952568, ClinGen allele CA349070032.

ClinVar aggregate classification (germline): Uncertain significance (1 of 4 stars; one submission).

Conditions:
Early-infantile DEE. Also called: Early infantile epileptic encephalopathy with suppression bursts; Early infantile epileptic encephalopathy; Ohtahara syndrome. Identifiers: Orphanet 1934, MedGen C0393706, MONDO:0800491.

Allele frequency attached by ClinVar (database versions not stated): gnomAD exomes below 0.00001.
gnomAD v4.1: 1 of 1,613,700 alleles (0.000062%); highest among the groups gnomAD compares: Non-Finnish European, 0.000085%; no homozygotes.

Submission:

Labcorp Genetics (formerly Invitae), Labcorp
Classification: Uncertain significance for Early-infantile DEE. Last evaluated: 2024-11-24. Review status: criteria provided, single submitter. Criteria: Invitae Variant Classification Sherloc (09022015). Collection method: clinical testing. Allele origin: germline.
Comment: This sequence change replaces glycine, which is neutral and non-polar, with glutamic acid, which is acidic and polar, at codon 1652 of the SCN1A protein (p.Gly1652Glu). This variant is not present in population databases (gnomAD no frequency). This variant has not been reported in the literature in individuals affected with SCN1A-related conditions. ClinVar contains an entry for this variant (Variation ID: 649545). Invitae Evidence Modeling of protein sequence and biophysical properties (such as structural, functional, and spatial information, amino acid conservation, physicochemical variation, residue mobility, and thermodynamic stability) indicates that this missense variant is expected to disrupt SCN1A protein function with a positive predictive value of 95%. In summary, the available evidence is currently insufficient to determine the role of this variant in disease. Therefore, it has been classified as a Variant of Uncertain Significance.